The following is an entry in ClinVar:

ClinVar aggregate classification (germline): Likely benign. Review status: criteria provided, multiple submitters, no conflicts (2 of 4 stars). 2 submissions from 2 submitters: Likely benign (2). Last evaluated 2026-01-01.

Conditions:
FG syndrome (FGS). Identifiers: MedGen C0220769, MONDO:0002010.

Submissions (2):

CeGaT Center for Human Genetics Tuebingen
Classification: Likely benign. Last evaluated: 2026-01-01. Review status: criteria provided, single submitter. Criteria: CeGaT Center For Human Genetics Tuebingen Variant Classification Criteria Version 2. Collection method: clinical testing. Allele origin: germline. Affected: yes. Observed: 2 variant alleles.
Comment: MED12: PM2:Supporting, BP4, BP7

Labcorp Genetics (formerly Invitae), Labcorp
Classification: Likely benign for FG syndrome. Last evaluated: 2020-02-12. Review status: criteria provided, single submitter. Criteria: Invitae Variant Classification Sherloc (09022015). Collection method: clinical testing. Allele origin: germline.

NM_005120.3(MED12):c.6303G>A (p.Gln2101=)

Gene: MED12 (mediator complex subunit 12; plus strand). Cytogenetic location: Xq13.1.
Variant type: single nucleotide variant.
Coding change: c.6303G>A on transcript NM_005120.3 (MANE Select); coding-DNA position 6303, G replaced by A.
Protein change: p.Gln2101=; no amino-acid change (glutamine 2101 retained).
Molecular consequence: synonymous variant.
Genome position (GRCh38, 1-based): chrX:71,141,265, G>A. VCF-style: chrX-71141265-G-A. GRCh37 (hg19) VCF-style: chrX-70361115-G-A.
Identifiers: ClinVar variation 458829 (VCV000458829.21), dbSNP rs1490399010, ClinGen allele CA516728479.